The following is an entry in ClinVar:

GRCh38/hg38 7q11.21(chr7:64813121-64939543)x3

Genes: ZNF138 (zinc finger protein 138; plus strand), ZNF273 (zinc finger protein 273; plus strand), LOC116183090 (CRISPRi-validated cis-regulatory element chr7.2319; plus strand). Cytogenetic location: 7q11.21.
Variant type: copy number gain.
Change: copy number 3 (three copies instead of two) of chr7:64,813,121-64,939,543 (126.4 kb, GRCh38 coordinates, 1-based), cytogenetic band 7q11.21.
Identifiers: ClinVar variation 152092 (VCV000152092.1).

ClinVar aggregate classification (germline): conflicting data from submitters (0 of 4 stars; one submission).

Submission:

GeneDx
Classification: conflicting data from submitters. Last evaluated: 2011-04-30. Review status: no assertion criteria provided. Collection method: clinical testing. Allele origin: not provided. Affected: yes. Observed: 2 variant alleles.
Comment: Uncertain significance(1), Likely benign (1)